The following is an entry in ClinVar:

NM_001105206.3(LAMA4):c.1621_1622del (p.Leu541fs)

Gene: LAMA4 (laminin subunit alpha 4; minus strand). Cytogenetic location: 6q21.
Variant type: Microsatellite.
Coding change: c.1621_1622del on transcript NM_001105206.3 (MANE Select); coding-DNA positions 1621 to 1622, 2 bases deleted (CT; older notation c.1621_1622delCT).
Protein change: p.Leu541fs; shifts the reading frame from leucine 541.
Molecular consequence: frameshift variant.
Genome position (GRCh38, 1-based): chr6:112,165,206-112,165,207, AG deleted on the plus strand (CT on the coding strand, the reverse complement: LAMA4 is on the minus strand); deleting any 2 consecutive bases within chr6:112,165,206-112,165,211 gives the same sequence; the c. name uses the placement nearest the transcript's 3' end. VCF-style (leftmost placement, unchanged base first): chr6-112165205-CAG-C. GRCh37 (hg19) VCF-style: chr6-112486407-CAG-C.
Other names: c.1600_1601del, p.Leu534fs (NM_001105207.3, NM_002290.5); c.1596_1597CT[2], p.Leu534Aspfs (NM_002290.3); c.1600_1601del (NM_002290.3); short protein forms L534fs, L541fs.
Identifiers: ClinVar variation 1878836 (VCV001878836.1), dbSNP rs2547092175, ClinGen allele CA2580617337.

ClinVar aggregate classification (germline): Uncertain significance (1 of 4 stars; one submission).

Submission:

GeneDx
Classification: Uncertain significance. Last evaluated: 2022-07-15. Review status: criteria provided, single submitter. Criteria: GeneDx Variant Classification Process June 2021. Collection method: clinical testing. Allele origin: germline. Affected: yes.
Comment: Not observed at significant frequency in large population cohorts (gnomAD); Frameshift variant predicted to result in protein truncation or nonsense mediated decay in a gene or region of a gene for which loss of function is not a well-established mechanism of disease; Has not been previously published as pathogenic or benign to our knowledge